The following is an entry in ClinVar:

ClinVar aggregate classification (germline): Uncertain significance. Review status: criteria provided, multiple submitters, no conflicts (2 of 4 stars). 3 submissions from 3 submitters: Uncertain significance (3). Last evaluated 2025-06-20.

Conditions:
Inborn genetic diseases. Identifiers: MedGen C0950123, MeSH D030342.

Allele frequency attached by ClinVar (database versions not stated): gnomAD exomes 0.00012; gnomAD 0.00005 and 0.00006; ExAC 0.00007; TOPMed 0.00007; ESP Exome Variant Server 0.00008.
gnomAD v4.1: 183 of 1,613,798 alleles (0.011%); highest among the groups gnomAD compares: Admixed American, 0.017%; no homozygotes.

Submissions (3):

Labcorp Genetics (formerly Invitae), Labcorp
Classification: Uncertain significance. Last evaluated: 2025-06-20. Review status: criteria provided, single submitter. Criteria: Invitae Variant Classification Sherloc (09022015). Collection method: clinical testing. Allele origin: germline.
Comment: This sequence change replaces glutamic acid, which is acidic and polar, with lysine, which is basic and polar, at codon 62 of the STT3A protein (p.Glu62Lys). This variant is present in population databases (rs370788494, gnomAD 0.03%). This variant has not been reported in the literature in individuals affected with STT3A-related conditions. ClinVar contains an entry for this variant (Variation ID: 1434267). Invitae Evidence Modeling of protein sequence and biophysical properties (such as structural, functional, and spatial information, amino acid conservation, physicochemical variation, residue mobility, and thermodynamic stability) indicates that this missense variant is not expected to disrupt STT3A protein function with a negative predictive value of 80%. In summary, the available evidence is currently insufficient to determine the role of this variant in disease. Therefore, it has been classified as a Variant of Uncertain Significance.

GeneDx
Classification: Uncertain significance. Last evaluated: 2022-09-21. Review status: criteria provided, single submitter. Criteria: GeneDx Variant Classification Process June 2021. Collection method: clinical testing. Allele origin: germline. Affected: yes.
Comment: In silico analysis supports that this missense variant does not alter protein structure/function; Has not been previously published as pathogenic or benign to our knowledge

Ambry Genetics
Classification: Uncertain significance for Inborn genetic diseases. Last evaluated: 2021-01-28. Review status: criteria provided, single submitter. Criteria: Ambry Variant Classification Scheme 2023. Collection method: clinical testing. Allele origin: germline.
Comment: The c.184G>A (p.E62K) alteration is located in exon 4 (coding exon 3) of the STT3A gene. This alteration results from a G to A substitution at nucleotide position 184, causing the glutamic acid (E) at amino acid position 62 to be replaced by a lysine (K). The in silico prediction for the p.E62K alteration is inconclusive. Based on insufficient or conflicting evidence, the clinical significance of this alteration remains unclear.

NM_152713.5(STT3A):c.184G>A (p.Glu62Lys)

Gene: STT3A (STT3 oligosaccharyltransferase complex catalytic subunit A; plus strand). Cytogenetic location: 11q24.2.
Variant type: single nucleotide variant.
Coding change: c.184G>A on transcript NM_152713.5 (MANE Select); coding-DNA position 184, G replaced by A.
Protein change: p.Glu62Lys; replaces glutamic acid 62 with lysine.
Molecular consequence: missense variant. On other transcripts: 5 prime UTR variant (1).
Genome position (GRCh38, 1-based): chr11:125,602,337, G>A. VCF-style: chr11-125602337-G-A. GRCh37 (hg19) VCF-style: chr11-125472232-G-A.
Other names: c.184G>A, p.Glu62Lys (NM_001278503.2); c.-93G>A (NM_001278504.2); c.184G>A (NM_152713.3, NM_001278503.1); short protein forms E62K.
Identifiers: ClinVar variation 1434267 (VCV001434267.8), dbSNP rs370788494, ClinGen allele CA6348777.